The following is an entry in ClinVar:

ClinVar aggregate classification (germline): Likely benign (0 of 4 stars; one submission).

Conditions:
CDH15-related disorder. Also called: CDH15-related condition.

Allele frequency attached by ClinVar (database versions not stated): ExAC 0.00003; gnomAD 0.00003; TOPMed 0.00004; ESP Exome Variant Server 0.00008; 1000 Genomes Project 0.00020; 1000 Genomes Project 30x 0.00031.
gnomAD v4.1: 74 of 1,612,690 alleles (0.0046%); highest among the groups gnomAD compares: South Asian, 0.0055%; no homozygotes.

Submission:

PreventionGenetics, part of Exact Sciences
Classification: Likely benign for CDH15-related condition. Last evaluated: 2019-07-15. Review status: no assertion criteria provided. Collection method: clinical testing. Allele origin: germline.
Comment: This variant is classified as likely benign based on ACMG/AMP sequence variant interpretation guidelines (Richards et al. 2015 PMID: 25741868, with internal and published modifications).

NM_004933.3(CDH15):c.1338C>T (p.Gly446=)

Gene: CDH15 (cadherin 15; plus strand). Cytogenetic location: 16q24.3.
Variant type: single nucleotide variant.
Coding change: c.1338C>T on transcript NM_004933.3 (MANE Select); coding-DNA position 1338, C replaced by T.
Protein change: p.Gly446=; no amino-acid change (glycine 446 retained).
Molecular consequence: synonymous variant.
Genome position (GRCh38, 1-based): chr16:89,191,435, C>T. VCF-style: chr16-89191435-C-T. GRCh37 (hg19) VCF-style: chr16-89257843-C-T.
Identifiers: ClinVar variation 3050308 (VCV003050308.2), dbSNP rs369841519, ClinGen allele CA8239245.
Genomic context (GRCh38, chr16:89,191,435, plus strand): 5'-AGCCACTGGCCGGATCCAGACCCAGCACGTGCTCAGCCCGGCGTCCCCCTTCCTCAAGGG[C>T]GGCTGGTACAGAGCCATCGTCCTGGCCCAGGATGACGGTGAGCGGCGCCGCCGGCTTGGG-3'
Protein context (NP_004924.1, residues 436-456): VLSPASPFLK[Gly446=]GWYRAIVLAQ